The following is an entry in ClinVar:

ClinVar aggregate classification (germline): Uncertain significance. Review status: criteria provided, single submitter (1 of 4 stars). 2 submissions from 2 submitters: Uncertain significance (1). 1 of the submissions does not count toward it. Last evaluated 2024-12-31.

Conditions:
Optic atrophy. Identifiers: MedGen C0029124, MONDO:0003608, HP:0000648.

gnomAD v4.1: 51 of 1,613,908 alleles (0.0032%); highest among the groups gnomAD compares: Non-Finnish European, 0.0042%; no homozygotes.

Submissions (2):

Labcorp Genetics (formerly Invitae), Labcorp
Classification: Uncertain significance. Last evaluated: 2024-12-31. Review status: criteria provided, single submitter. Criteria: Invitae Variant Classification Sherloc (09022015). Collection method: clinical testing. Allele origin: germline.
Comment: This sequence change replaces glycine, which is neutral and non-polar, with aspartic acid, which is acidic and polar, at codon 270 of the NBAS protein (p.Gly270Asp). This variant is present in population databases (rs776010451, gnomAD 0.004%). This variant has not been reported in the literature in individuals affected with NBAS-related conditions. Invitae Evidence Modeling of protein sequence and biophysical properties (such as structural, functional, and spatial information, amino acid conservation, physicochemical variation, residue mobility, and thermodynamic stability) indicates that this missense variant is expected to disrupt NBAS protein function with a positive predictive value of 95%. In summary, the available evidence is currently insufficient to determine the role of this variant in disease. Therefore, it has been classified as a Variant of Uncertain Significance.

Institute of Human Genetics, Univ. Regensburg, Univ. Regensburg
Classification: Uncertain significance for Optic atrophy. Last evaluated: 2021-01-01. Review status: no assertion criteria provided. Criteria: ACMG Guidelines, 2015. Collection method: clinical testing. Allele origin: germline. Affected: yes. Not counted in ClinVar's aggregate classification.

NM_015909.4(NBAS):c.809G>A (p.Gly270Asp)

Gene: NBAS (NBAS subunit of NRZ tethering complex; minus strand). Cytogenetic location: 2p24.3.
Variant type: single nucleotide variant.
Coding change: c.809G>A on transcript NM_015909.4 (MANE Select); coding-DNA position 809, G replaced by A.
Protein change: p.Gly270Asp; replaces glycine 270 with aspartic acid.
Molecular consequence: missense variant. On other transcripts: non-coding transcript variant (1).
Genome position (GRCh38, 1-based): chr2:15,511,288, C>T on the plus strand (G>A on the coding strand, the complement: NBAS is on the minus strand). VCF-style: chr2-15511288-C-T. GRCh37 (hg19) VCF-style: chr2-15651412-C-T.
Other names: short protein forms G270D.
Identifiers: ClinVar variation 3250080 (VCV003250080.2).